The following is an entry in ClinVar:

ClinVar aggregate classification (germline): Uncertain significance (1 of 4 stars; one submission).

Conditions:
Norman-Roberts syndrome (LIS2). Also called: Lissencephaly 2 (Norman-Roberts type). Identifiers: Orphanet 89844, MedGen C0796089, MONDO:0009760, OMIM 257320.
Familial temporal lobe epilepsy 7. Identifiers: Orphanet 101046, MedGen C4225327, MONDO:0014639, OMIM 616436.

Submission:

Labcorp Genetics (formerly Invitae), Labcorp
Classification: Uncertain significance for Familial temporal lobe epilepsy 7; Norman-Roberts syndrome. Last evaluated: 2023-07-31. Review status: criteria provided, single submitter. Criteria: Invitae Variant Classification Sherloc (09022015). Collection method: clinical testing. Allele origin: germline.
Comment: ClinVar contains an entry for this variant (Variation ID: 847521). This sequence change replaces threonine, which is neutral and polar, with isoleucine, which is neutral and non-polar, at codon 429 of the RELN protein (p.Thr429Ile). This variant is not present in population databases (gnomAD no frequency). This variant has not been reported in the literature in individuals affected with RELN-related conditions. Advanced modeling of protein sequence and biophysical properties (such as structural, functional, and spatial information, amino acid conservation, physicochemical variation, residue mobility, and thermodynamic stability) performed at Invitae indicates that this missense variant is not expected to disrupt RELN protein function. In summary, the available evidence is currently insufficient to determine the role of this variant in disease. Therefore, it has been classified as a Variant of Uncertain Significance.

NM_005045.4(RELN):c.1286C>T (p.Thr429Ile)

Gene: RELN (reelin; minus strand). Cytogenetic location: 7q22.1.
Variant type: single nucleotide variant.
Coding change: c.1286C>T on transcript NM_005045.4 (MANE Select); coding-DNA position 1286, C replaced by T.
Protein change: p.Thr429Ile; replaces threonine 429 with isoleucine.
Molecular consequence: missense variant.
Genome position (GRCh38, 1-based): chr7:103,682,119, G>A on the plus strand (C>T on the coding strand, the complement: RELN is on the minus strand). VCF-style: chr7-103682119-G-A. GRCh37 (hg19) VCF-style: chr7-103322566-G-A.
Other names: c.1286C>T, p.Thr429Ile (NM_173054.3); short protein forms T429I.
Identifiers: ClinVar variation 847521 (VCV000847521.4), dbSNP rs1833665870, ClinGen allele CA368926011.